The following is an entry in ClinVar:

NM_000059.4(BRCA2):c.7726G>A (p.Gly2576Arg)

Gene: BRCA2 (BRCA2 DNA repair associated; plus strand). Cytogenetic location: 13q13.1.
Variant type: single nucleotide variant.
Coding change: c.7726G>A on transcript NM_000059.4 (MANE Select); coding-DNA position 7726, G replaced by A.
Protein change: p.Gly2576Arg; replaces glycine 2576 with arginine.
Molecular consequence: missense variant.
Genome position (GRCh38, 1-based): chr13:32,357,850, G>A. VCF-style: chr13-32357850-G-A. GRCh37 (hg19) VCF-style: chr13-32931987-G-A.
Other names: short protein forms G2576R.
Identifiers: ClinVar variation 862545 (VCV000862545.18), dbSNP rs1210418849, ClinGen allele CA387745484.

ClinVar aggregate classification (germline): Conflicting classifications of pathogenicity. Review status: criteria provided, conflicting classifications (1 of 4 stars). 6 submissions from 6 submitters: Uncertain significance (5); Likely benign (1). Last evaluated 2025-05-19.

Conditions:
Hereditary cancer-predisposing syndrome. Also called: Tumor predisposition; Hereditary Cancer Syndrome; Neoplastic Syndromes, Hereditary; Hereditary neoplastic syndrome. Identifiers: Orphanet 140162, MedGen C0027672, MeSH D009386, MONDO:0015356.
Breast-ovarian cancer, familial, susceptibility to, 2 (BROVCA2). Also called: BRCA2 Hereditary Breast and Ovarian Cancer. Identifiers: Orphanet 145, MedGen C2675520, MONDO:0012933, OMIM 612555. Disease mechanism: loss of function.
Hereditary breast ovarian cancer syndrome. Also called: BRCA1- and BRCA2-Associated Hereditary Breast and Ovarian Cancer; Hereditary breast and ovarian cancer; Hereditary breast and ovarian cancer syndrome (HBOC); Hereditary breast and ovarian cancer syndrome; Breast and ovarian cancer; Hereditary breast and/or ovarian cancer syndrome. Identifiers: Orphanet 145, MedGen C0677776, MeSH D061325, MONDO:0003582. Disease mechanism: loss of function.

Allele frequency attached by ClinVar (database versions not stated): gnomAD exomes below 0.00001 and 0.00001.
gnomAD v4.1: 8 of 1,614,058 alleles (0.0005%); highest among the groups gnomAD compares: Non-Finnish European, 0.00068%; no homozygotes.

Submissions (6):

Ambry Genetics
Classification: Likely benign for Hereditary cancer-predisposing syndrome. Last evaluated: 2025-05-19. Review status: criteria provided, single submitter. Criteria: Ambry Variant Classification Scheme 2023. Collection method: clinical testing. Allele origin: germline.

Quest Diagnostics Nichols Institute San Juan Capistrano
Classification: Uncertain significance. Last evaluated: 2025-04-16. Review status: criteria provided, single submitter. Criteria: Quest Diagnostics criteria. Collection method: clinical testing. Allele origin: unknown.
Comment: The BRCA2 c.7726G>A (p.Gly2576Arg) variant has not been reported in individuals with BRCA2-related conditions in the published literature. The frequency of this variant in the general population (Genome Aggregation Database) is uninformative in the assessment of its pathogenicity. Analysis of this variant using bioinformatics tools for the prediction of the effect of amino acid changes on protein structure and function yielded conflicting predictions that this variant is benign or damaging. Based on the available information, we are unable to determine the clinical significance of this variant.

Labcorp Genetics (formerly Invitae), Labcorp
Classification: Uncertain significance for Hereditary breast ovarian cancer syndrome. Last evaluated: 2024-11-26. Review status: criteria provided, single submitter. Criteria: Invitae Variant Classification Sherloc (09022015). Collection method: clinical testing. Allele origin: germline.
Comment: This sequence change replaces glycine, which is neutral and non-polar, with arginine, which is basic and polar, at codon 2576 of the BRCA2 protein (p.Gly2576Arg). This variant is present in population databases (no rsID available, gnomAD 0.0009%). This missense change has been observed in individual(s) with clinical features of BRCA2-related conditions (PMID: 21520333). ClinVar contains an entry for this variant (Variation ID: 862545). Invitae Evidence Modeling of protein sequence and biophysical properties (such as structural, functional, and spatial information, amino acid conservation, physicochemical variation, residue mobility, and thermodynamic stability) indicates that this missense variant is not expected to disrupt BRCA2 protein function with a negative predictive value of 95%. In summary, the available evidence is currently insufficient to determine the role of this variant in disease. Therefore, it has been classified as a Variant of Uncertain Significance.

Color Diagnostics, LLC DBA Color Health
Classification: Uncertain significance for Hereditary cancer-predisposing syndrome. Last evaluated: 2023-06-27. Review status: criteria provided, single submitter. Criteria: ACMG Guidelines, 2015. Collection method: clinical testing. Allele origin: germline.
Comment: This missense variant replaces glycine with arginine at codon 2576 of the BRCA2 protein. Computational prediction is inconclusive regarding the impact of this variant on protein structure and function (internally defined REVEL score threshold 0.5 < inconclusive < 0.7, PMID: 27666373). To our knowledge, functional studies have not been reported for this variant. This variant has not been reported in individuals affected with BRCA2-related disorders in the literature. This variant has been identified in 1/251412 chromosomes in the general population by the Genome Aggregation Database (gnomAD). The available evidence is insufficient to determine the role of this variant in disease conclusively. Therefore, this variant is classified as a Variant of Uncertain Significance.

All of Us Research Program, National Institutes of Health
Classification: Uncertain significance for Breast-ovarian cancer, familial, susceptibility to, 2. Last evaluated: 2023-03-04. Review status: criteria provided, single submitter. Criteria: ACMG Guidelines, 2015. Collection method: clinical testing. Allele origin: germline. Inheritance: Autosomal dominant inheritance. Observed: 1 variant allele, 1 heterozygote.
Comment: This study involves interpretation of variants in research participants for the purpose of population health screening. Participant phenotype was not available at the time of variant classification. Additional details can be found in publication PMID: 35346344, PMCID: PMC8962531

Clinical Genetics Laboratory, Skane University Hospital Lund
Classification: Uncertain significance. Last evaluated: 2023-01-19. Review status: criteria provided, single submitter. Criteria: ACMG Guidelines, 2015. Collection method: clinical testing. Allele origin: germline. Affected: yes.

Literature cited by the submitters: PubMed 21520333 (cited by Labcorp Genetics (formerly Invitae), Labcorp).